The following is an entry in ClinVar:

NM_014712.3(SETD1A):c.1058C>T (p.Ser353Phe)

Gene: SETD1A (SET domain containing 1A, histone lysine methyltransferase; plus strand). Cytogenetic location: 16p11.2.
Variant type: single nucleotide variant.
Coding change: c.1058C>T on transcript NM_014712.3 (MANE Select); coding-DNA position 1058, C replaced by T.
Protein change: p.Ser353Phe; replaces serine 353 with phenylalanine.
Molecular consequence: missense variant.
Genome position (GRCh38, 1-based): chr16:30,964,800, C>T. VCF-style: chr16-30964800-C-T. GRCh37 (hg19) VCF-style: chr16-30976121-C-T.
Other names: short protein forms S353F.
Identifiers: ClinVar variation 4885901 (VCV004885901.2).

ClinVar aggregate classification (germline): Uncertain significance (1 of 4 stars; one submission).

Submission:

Dasa
Classification: Uncertain significance. Last evaluated: 2025-07-05. Review status: criteria provided, single submitter. Criteria: DASA Assertion Criteria. Collection method: clinical testing. Allele origin: germline.
Comment: NM_014712.3(SETD1A):c.1058C>T (p.Ser353Phe) is a missense variant that results in the substitution of serine with phenylalanine. This variant is rare in population databases. Computational prediction algorithms are consistent with a benign effect. The currently available literature and clinical evidence are not sufficient to establish a definitive association between this variant and the reported condition. Therefore, this variant is classified as a variant of uncertain significance.